The following is an entry in ClinVar:

ClinVar aggregate classification (germline): Uncertain significance (1 of 4 stars; one submission).

Conditions:
Hereditary cancer-predisposing syndrome. Also called: Hereditary Cancer Syndrome; Hereditary neoplastic syndrome; Neoplastic Syndromes, Hereditary; Tumor predisposition. Identifiers: Orphanet 140162, MedGen C0027672, MeSH D009386, MONDO:0015356.

Submission:

Ambry Genetics
Classification: Uncertain significance for Hereditary cancer-predisposing syndrome. Last evaluated: 2020-01-21. Review status: criteria provided, single submitter. Criteria: Ambry Variant Classification Scheme 2023. Collection method: clinical testing. Allele origin: germline.
Comment: The p.K1505N variant (also known as c.4515G>T), located in coding exon 30 of the SMARCA4 gene, results from a G to T substitution at nucleotide position 4515. The lysine at codon 1505 is replaced by asparagine, an amino acid with similar properties. This amino acid position is highly conserved in available vertebrate species. In addition, this alteration is predicted to be tolerated by in silico analysis. Since supporting evidence is limited at this time, the clinical significance of this alteration remains unclear.

NM_003072.5(SMARCA4):c.4419G>T (p.Lys1473Asn)

Gene: SMARCA4 (SWI/SNF related BAF chromatin remodeling complex subunit ATPase 4; plus strand). Cytogenetic location: 19p13.2.
Variant type: single nucleotide variant.
Coding change: c.4419G>T on transcript NM_003072.5 (MANE Select); coding-DNA position 4419, G replaced by T.
Protein change: p.Lys1473Asn; replaces lysine 1473 with asparagine.
Molecular consequence: missense variant. On other transcripts: non-coding transcript variant (1).
Genome position (GRCh38, 1-based): chr19:11,041,555, G>T. VCF-style: chr19-11041555-G-T. GRCh37 (hg19) VCF-style: chr19-11152231-G-T.
Other names: c.4419G>T, p.Lys1473Asn (NM_001128844.3); c.4329G>T, p.Lys1443Asn (NM_001128845.2, NM_001128846.2); c.4320G>T, p.Lys1440Asn (NM_001128847.4, NM_001128848.2, NM_001374457.1); c.4515G>T, p.Lys1505Asn (NM_001128849.3, NM_001387283.1); c.4416G>T, p.Lys1472Asn (NM_001411150.1); short protein forms K1443N, K1505N, K1472N, K1473N, K1440N.
Identifiers: ClinVar variation 1741159 (VCV001741159.2), dbSNP rs2515497731, ClinGen allele CA404074228.